The following is an entry in ClinVar:

NM_001077653.2(TBX20):c.1112G>A (p.Ser371Asn)

Gene: TBX20 (T-box transcription factor 20; minus strand). Cytogenetic location: 7p14.2.
Variant type: single nucleotide variant.
Coding change: c.1112G>A on transcript NM_001077653.2 (MANE Select); coding-DNA position 1112, G replaced by A.
Protein change: p.Ser371Asn; replaces serine 371 with asparagine.
Molecular consequence: missense variant.
Genome position (GRCh38, 1-based): chr7:35,202,662, C>T on the plus strand (G>A on the coding strand, the complement: TBX20 is on the minus strand). VCF-style: chr7-35202662-C-T. GRCh37 (hg19) VCF-style: chr7-35242274-C-T.
Other names: c.1112G>A, p.Ser371Asn (LRG_755t1); short protein forms S371N.
Identifiers: ClinVar variation 519073 (VCV000519073.11), dbSNP rs370394425, ClinGen allele CA156917330.

ClinVar aggregate classification (germline): Uncertain significance. Review status: criteria provided, multiple submitters, no conflicts (2 of 4 stars). 3 submissions from 3 submitters: Uncertain significance (3). Last evaluated 2025-12-03.

Conditions:
Cardiovascular phenotype. Identifiers: MedGen CN230736.

Allele frequency attached by ClinVar (database versions not stated): gnomAD exomes 0.00001 and 0.00002; gnomAD 0.00004; TOPMed 0.00004; ESP Exome Variant Server 0.00008.

Submissions (3):

Labcorp Genetics (formerly Invitae), Labcorp
Classification: Uncertain significance. Last evaluated: 2025-12-03. Review status: criteria provided, single submitter. Criteria: Invitae Variant Classification Sherloc (09022015). Collection method: clinical testing. Allele origin: germline.
Comment: This sequence change replaces serine, which is neutral and polar, with asparagine, which is neutral and polar, at codon 371 of the TBX20 protein (p.Ser371Asn). This variant is present in population databases (rs370394425, gnomAD 0.002%). This variant has not been reported in the literature in individuals affected with TBX20-related conditions. ClinVar contains an entry for this variant (Variation ID: 519073). Invitae Evidence Modeling of protein sequence and biophysical properties (such as structural, functional, and spatial information, amino acid conservation, physicochemical variation, residue mobility, and thermodynamic stability) indicates that this missense variant is not expected to disrupt TBX20 protein function with a negative predictive value of 80%. In summary, the available evidence is currently insufficient to determine the role of this variant in disease. Therefore, it has been classified as a Variant of Uncertain Significance.

Ambry Genetics
Classification: Uncertain significance for Cardiovascular phenotype. Last evaluated: 2025-10-30. Review status: criteria provided, single submitter. Criteria: Ambry Variant Classification Scheme 2023. Collection method: clinical testing. Allele origin: germline.

GeneDx
Classification: Uncertain significance. Last evaluated: 2022-06-20. Review status: criteria provided, single submitter. Criteria: GeneDx Variant Classification Process June 2021. Collection method: clinical testing. Allele origin: germline. Affected: yes.
Comment: Not observed at significant frequency in large population cohorts (gnomAD); In silico analysis supports that this missense variant does not alter protein structure/function; Has not been previously published as pathogenic or benign to our knowledge